The following is an entry in ClinVar:

ClinVar aggregate classification (germline): Uncertain significance (1 of 4 stars; one submission).

Conditions:
Combined oxidative phosphorylation defect type 30. Also called: Combined oxidative phosphorylation deficiency 30. Identifiers: Orphanet 478042, MedGen C5567605, MONDO:0014856, OMIM 616974.

Submission:

MVZ Medizinische Genetik Mainz
Classification: Uncertain significance for Combined oxidative phosphorylation defect type 30. Last evaluated: 2024-11-29. Review status: criteria provided, single submitter. Criteria: UK Practice Guidelines For Variant Classification V4 01 2020. Collection method: clinical testing. Allele origin: germline. Inheritance: Autosomal recessive inheritance. Affected: yes. Observed: 1 variant allele.
Comment: ACMG Criteria: PM2_SUP,PM3_SUP

NM_017819.4(TRMT10C):c.724C>T (p.His242Tyr)

Gene: TRMT10C (tRNA methyltransferase 10C, mitochondrial RNase P subunit; plus strand). Cytogenetic location: 3q12.3.
Variant type: single nucleotide variant.
Coding change: c.724C>T on transcript NM_017819.4 (MANE Select); coding-DNA position 724, C replaced by T.
Protein change: p.His242Tyr; replaces histidine 242 with tyrosine.
Molecular consequence: missense variant.
Genome position (GRCh38, 1-based): chr3:101,565,505, C>T. VCF-style: chr3-101565505-C-T. GRCh37 (hg19) VCF-style: chr3-101284349-C-T.
Other names: short protein forms H242Y.
Identifiers: ClinVar variation 3392547 (VCV003392547.1).